The following is an entry in ClinVar:

ClinVar aggregate classification (germline): Uncertain significance. Review status: criteria provided, multiple submitters, no conflicts (2 of 4 stars). 5 submissions from 5 submitters: Uncertain significance (5). Last evaluated 2025-10-14.

Conditions:
Schizophrenia 4 (SCZD4). Also called: SCHIZOPHRENIA SUSCEPTIBILITY LOCUS, CHROMOSOME 22q11-RELATED; SCHIZOPHRENIA, SUSCEPTIBILITY TO, 4. Identifiers: MedGen C1833247, MONDO:0010943, OMIM 600850.
Proline dehydrogenase deficiency (HYRPRO1). Also called: PROLINE OXIDASE DEFICIENCY; Hyperprolinemia type 1. Identifiers: Orphanet 419, MedGen C0268529, MONDO:0009400, OMIM 239500.

Submissions (5):

Clinical Genomics Laboratory, Washington University in St. Louis
Classification: Uncertain significance for Schizophrenia 4. Last evaluated: 2025-10-14. Review status: criteria provided, single submitter. Criteria: ACMG Guidelines, 2015. Collection method: clinical testing. Allele origin: germline.
Comment: The PRODH c.22C>T (p.Pro8Ser) variant, to our knowledge, has not been reported in the medical literature. This variant has been reported in the ClinVar database as a germline variant of uncertain significance by four submitters. This variant is absent from the general population (gnomAD v.4.1.0), indicating it is not a common variant. Computational predictors suggest that the variant does not impact PRODH function. Due to limited information, and based on ACMG/AMP guidelines for variant interpretation (Richards S et al., PMID: 25741868), the clinical significance of this variant is uncertain at this time.

Fulgent Genetics
Classification: Uncertain significance for Proline dehydrogenase deficiency; Schizophrenia 4. Last evaluated: 2024-04-12. Review status: criteria provided, single submitter. Criteria: ACMG Guidelines, 2015. Collection method: clinical testing. Allele origin: germline.

Labcorp Genetics (formerly Invitae), Labcorp
Classification: Uncertain significance for Proline dehydrogenase deficiency. Last evaluated: 2024-01-11. Review status: criteria provided, single submitter. Criteria: Invitae Variant Classification Sherloc (09022015). Collection method: clinical testing. Allele origin: germline.
Comment: This sequence change replaces proline, which is neutral and non-polar, with serine, which is neutral and polar, at codon 8 of the PRODH protein (p.Pro8Ser). This variant is present in population databases (no rsID available, gnomAD 0.1%). This variant has not been reported in the literature in individuals affected with PRODH-related conditions. ClinVar contains an entry for this variant (Variation ID: 1699582). Algorithms developed to predict the effect of missense changes on protein structure and function output the following: SIFT: "Not Available"; PolyPhen-2: "Benign"; Align-GVGD: "Not Available". The serine amino acid residue is found in multiple mammalian species, which suggests that this missense change does not adversely affect protein function. In summary, the available evidence is currently insufficient to determine the role of this variant in disease. Therefore, it has been classified as a Variant of Uncertain Significance.

GeneDx
Classification: Uncertain significance. Last evaluated: 2022-07-25. Review status: criteria provided, single submitter. Criteria: GeneDx Variant Classification Process June 2021. Collection method: clinical testing. Allele origin: germline. Affected: yes.
Comment: In silico analysis supports that this missense variant does not alter protein structure/function; Has not been previously published as pathogenic or benign to our knowledge

Revvity Omics, Revvity
Classification: Uncertain significance for Proline dehydrogenase deficiency. Last evaluated: 2021-05-27. Review status: criteria provided, single submitter. Criteria: ACMG Guidelines, 2015. Collection method: clinical testing. Allele origin: germline.

NM_016335.6(PRODH):c.22C>T (p.Pro8Ser)

Gene: PRODH (proline dehydrogenase 1; minus strand). Cytogenetic location: 22q11.21.
Variant type: single nucleotide variant.
Coding change: c.22C>T on transcript NM_016335.6 (MANE Select); coding-DNA position 22, C replaced by T.
Protein change: p.Pro8Ser; replaces proline 8 with serine.
Molecular consequence: missense variant. On other transcripts: intron variant (1).
Genome position (GRCh38, 1-based): chr22:18,936,266, G>A on the plus strand (C>T on the coding strand, the complement: PRODH is on the minus strand). VCF-style: chr22-18936266-G-A. GRCh37 (hg19) VCF-style: chr22-18923779-G-A.
Other names: c.22C>T (NM_016335.5); c.-52+124C>T (NM_001195226.2); short protein forms P8S.
Identifiers: ClinVar variation 1699582 (VCV001699582.9), dbSNP rs944412642, ClinGen allele CA321322651.